The following is an entry in ClinVar:

NM_004553.6(NDUFS6):c.309+1G>A

Gene: NDUFS6 (NADH:ubiquinone oxidoreductase subunit S6; plus strand). Cytogenetic location: 5p15.33.
Variant type: single nucleotide variant.
Coding change: c.309+1G>A on transcript NM_004553.6 (MANE Select); the canonical splice donor site of the intron after coding-DNA position 309, G replaced by A.
Molecular consequence: splice donor variant.
Genome position (GRCh38, 1-based): chr5:1,814,462, G>A. VCF-style: chr5-1814462-G-A. GRCh37 (hg19) VCF-style: chr5-1814576-G-A.
Other names: c.309+1G>A (NM_004553.4).
Identifiers: ClinVar variation 2812650 (VCV002812650.6), dbSNP rs1169689300, ClinGen allele CA359089247.

ClinVar aggregate classification (germline): Pathogenic/Likely pathogenic. Review status: criteria provided, multiple submitters, no conflicts (2 of 4 stars). 4 submissions from 4 submitters: Pathogenic (2); Likely pathogenic (2). Last evaluated 2025-04-14.

Conditions:
Mitochondrial complex I deficiency. Also called: NADH:Q(1) OXIDOREDUCTASE DEFICIENCY. Identifiers: Orphanet 2609, MedGen C1838979, MeSH C537475, MONDO:0100133.
Mitochondrial complex I deficiency, nuclear type 9. Also called: Mitochondrial complex 1 deficiency, nuclear type 9. Identifiers: MedGen C4748767, MONDO:0032615, OMIM 618232.

Submissions (4):

Dasa
Classification: Pathogenic. Last evaluated: 2025-04-14. Review status: criteria provided, single submitter. Criteria: DASA Assertion Criteria. Collection method: clinical testing. Allele origin: germline.
Comment: NM_004553.6(NDUFS6):c.309+1G>A alters a canonical splice donor site and is predicted to disrupt normal RNA splicing, leading to loss of normal protein function. Loss-of-function is an established mechanism of disease for this gene, and similar splice site changes at this position have been reported as pathogenic in individuals with mitochondrial complex I deficiency. Based on the available data, this variant is classified as pathogenic.

Fulgent Genetics
Classification: Likely pathogenic for Mitochondrial complex I deficiency, nuclear type 9. Last evaluated: 2024-04-26. Review status: criteria provided, single submitter. Criteria: ACMG Guidelines, 2015. Collection method: clinical testing. Allele origin: germline.

Natera, Inc.
Classification: Likely pathogenic for Mitochondrial complex I deficiency. Last evaluated: 2024-03-26. Review status: criteria provided, single submitter. Criteria: Natera Variant Classification Schema (03/2026). Collection method: clinical testing. Allele origin: germline.
Comment: The c.309+1G>A variant in NDUFS6 is a canonical splice donor site variant predicted to affect pre-mRNA splicing, which may result in an abnormal transcript and altered protein product. This variant is expected to result in nonsense mediated decay, truncation, or a dysfunctional protein product. This variant is rare in the general population with a frequency below the threshold expected for the associated phenotype(s). Given the available evidence, this variant is classified as Likely Pathogenic.

Labcorp Genetics (formerly Invitae), Labcorp
Classification: Pathogenic. Last evaluated: 2023-11-07. Review status: criteria provided, single submitter. Criteria: Invitae Variant Classification Sherloc (09022015). Collection method: clinical testing. Allele origin: germline.
Comment: This sequence change affects a donor splice site in intron 3 of the NDUFS6 gene. While this variant is not anticipated to result in nonsense mediated decay, it likely alters RNA splicing and results in a disrupted protein product. This variant is not present in population databases (gnomAD no frequency). This variant has not been reported in the literature in individuals affected with NDUFS6-related conditions. Variants that disrupt the consensus splice site are a relatively common cause of aberrant splicing (PMID: 17576681, 9536098). Algorithms developed to predict the effect of sequence changes on RNA splicing suggest that this variant may disrupt the consensus splice site. This variant disrupts a region of the NDUFS6 protein in which other variant(s) (p.Cys115Arg) have been determined to be pathogenic (PMID: 28429146, 30948790, 31967322). This suggests that this is a clinically significant region of the protein, and that variants that disrupt it are likely to be disease-causing. For these reasons, this variant has been classified as Pathogenic.

Literature cited by the submitters: PubMed 17576681 (cited by Labcorp Genetics (formerly Invitae), Labcorp); PubMed 9536098 (cited by Labcorp Genetics (formerly Invitae), Labcorp); PubMed 28429146 (cited by Labcorp Genetics (formerly Invitae), Labcorp); PubMed 30948790 (cited by Labcorp Genetics (formerly Invitae), Labcorp); PubMed 31967322 (cited by Labcorp Genetics (formerly Invitae), Labcorp).